The following is an entry in ClinVar:

ClinVar aggregate classification (germline): Uncertain significance (1 of 4 stars; one submission).

Submission:

GeneDx
Classification: Uncertain significance. Last evaluated: 2025-07-10. Review status: criteria provided, single submitter. Criteria: GeneDx Variant Classification Process June 2021. Collection method: clinical testing. Allele origin: germline. Affected: yes.
Comment: Not observed at significant frequency in large population cohorts (gnomAD); In silico analysis suggests that this missense variant does not alter protein structure/function; Has not been previously published as pathogenic or benign to our knowledge

NM_019597.5(HNRNPH2):c.526A>C (p.Ile176Leu)

Genes: HNRNPH2 (heterogeneous nuclear ribonucleoprotein H2; plus strand), RPL36A-HNRNPH2 (RPL36A-HNRNPH2 readthrough; plus strand). Cytogenetic location: Xq22.1.
Variant type: single nucleotide variant.
Coding change: c.526A>C on transcript NM_019597.5 (MANE Select); coding-DNA position 526, A replaced by C.
Protein change: p.Ile176Leu; replaces isoleucine 176 with leucine.
Molecular consequence: missense variant. On other transcripts: 3 prime UTR variant (2).
Genome position (GRCh38, 1-based): chrX:101,412,514, A>C. VCF-style: chrX-101412514-A-C. GRCh37 (hg19) VCF-style: chrX-100667502-A-C.
Other names: c.*522A>C (NM_001199973.2, NM_001199974.2); c.526A>C, p.Ile176Leu (NM_001032393.3); short protein forms I176L.
Identifiers: ClinVar variation 4685377 (VCV004685377.1).